The following is an entry in ClinVar:

ClinVar aggregate classification (germline): Uncertain significance (1 of 4 stars; one submission).

Conditions:
Atrioventricular septal defect 5 (AVSD5). Identifiers: MedGen C3280939, MONDO:0013769, OMIM 614474.

Allele frequency attached by ClinVar (database versions not stated): TOPMed below 0.00001; gnomAD 0.00001.
gnomAD v4.1: 5 of 1,453,228 alleles (0.00034%); highest among the groups gnomAD compares: African/African-American, 0.0015%; no homozygotes.

Submission:

Labcorp Genetics (formerly Invitae), Labcorp
Classification: Uncertain significance for Atrioventricular septal defect 5. Last evaluated: 2024-08-19. Review status: criteria provided, single submitter. Criteria: Invitae Variant Classification Sherloc (09022015). Collection method: clinical testing. Allele origin: germline.
Comment: This sequence change replaces proline, which is neutral and non-polar, with glutamine, which is neutral and polar, at codon 202 of the GATA6 protein (p.Pro202Gln). This variant is present in population databases (no rsID available, gnomAD 0.01%). This variant has not been reported in the literature in individuals affected with GATA6-related conditions. ClinVar contains an entry for this variant (Variation ID: 1444685). Invitae Evidence Modeling of protein sequence and biophysical properties (such as structural, functional, and spatial information, amino acid conservation, physicochemical variation, residue mobility, and thermodynamic stability) indicates that this missense variant is not expected to disrupt GATA6 protein function with a negative predictive value of 80%. In summary, the available evidence is currently insufficient to determine the role of this variant in disease. Therefore, it has been classified as a Variant of Uncertain Significance.

NM_005257.6(GATA6):c.605C>A (p.Pro202Gln)

Gene: GATA6 (GATA binding protein 6; plus strand). Cytogenetic location: 18q11.2.
Variant type: single nucleotide variant.
Coding change: c.605C>A on transcript NM_005257.6 (MANE Select); coding-DNA position 605, C replaced by A.
Protein change: p.Pro202Gln; replaces proline 202 with glutamine.
Molecular consequence: missense variant.
Genome position (GRCh38, 1-based): chr18:22,171,749, C>A. VCF-style: chr18-22171749-C-A. GRCh37 (hg19) VCF-style: chr18-19751710-C-A.
Other names: short protein forms P202Q.
Identifiers: ClinVar variation 1444685 (VCV001444685.8), dbSNP rs1176964829, ClinGen allele CA401800132.